The following is an entry in ClinVar:

NM_004415.4(DSP):c.5084G>A (p.Ser1695Asn)

Gene: DSP (desmoplakin; plus strand). Cytogenetic location: 6p24.3.
Variant type: single nucleotide variant.
Coding change: c.5084G>A on transcript NM_004415.4 (MANE Select); coding-DNA position 5084, G replaced by A.
Protein change: p.Ser1695Asn; replaces serine 1695 with asparagine.
Molecular consequence: missense variant. On other transcripts: intron variant (2).
Genome position (GRCh38, 1-based): chr6:7,581,274, G>A. VCF-style: chr6-7581274-G-A. GRCh37 (hg19) VCF-style: chr6-7581507-G-A.
Other names: c.4050+1034G>A (NM_001319034.2); c.3583-1368G>A (NM_001008844.3); short protein forms S1695N.
Identifiers: ClinVar variation 924060 (VCV000924060.9), dbSNP rs758637843, ClinGen allele CA043855.

ClinVar aggregate classification (germline): Conflicting classifications of pathogenicity. Review status: criteria provided, conflicting classifications (1 of 4 stars). 5 submissions from 5 submitters: Uncertain significance (4); Likely benign (1). Last evaluated 2025-12-06.

Conditions:
Cardiomyopathy, dilated, with wooly hair, keratoderma, and tooth agenesis. Also called: Cardiomyopathy, dilated, with woolly hair, keratoderma, and tooth agenesis; Erythrokeratodermia-cardiomyopathy syndrome. Identifiers: Orphanet 476096, Orphanet 65282, MedGen C4014393, MONDO:0014355, OMIM 615821.
Cardiomyopathy (CMYO). Also called: Cardiomyopathies. Identifiers: Orphanet 167848, MedGen C0878544, MONDO:0004994, HP:0001638. Inheritance: Various modes of inheritance.
Arrhythmogenic cardiomyopathy with wooly hair and keratoderma. Also called: Carvajal syndrome; PALMOPLANTAR KERATODERMA WITH LEFT VENTRICULAR CARDIOMYOPATHY AND WOOLLY HAIR; Dilated cardiomyopathy with woolly hair and keratoderma; Arrhythmogenic cardiomyopathy with woolly hair and keratoderma. Identifiers: Orphanet 65282, MedGen C1854063, MONDO:0011581, OMIM 605676.
Arrhythmogenic right ventricular dysplasia 8 (ARVD8). Also called: Arrhythmogenic Right Ventricular Dysplasia/Cardiomyopathy 8; ARRHYTHMOGENIC RIGHT VENTRICULAR DYSPLASIA, FAMILIAL, 8; ARRHYTHMOGENIC RIGHT VENTRICULAR CARDIOMYOPATHY 8. Identifiers: MedGen C1843896, MONDO:0011831, OMIM 607450.

Allele frequency attached by ClinVar (database versions not stated): TOPMed below 0.00001; gnomAD exomes 0.00001 and 0.00002; ExAC 0.00002.
gnomAD v4.1: 10 of 1,614,110 alleles (0.00062%); highest among the groups gnomAD compares: South Asian, 0.0099%; no homozygotes.

Submissions (5):

Labcorp Genetics (formerly Invitae), Labcorp
Classification: Likely benign for Arrhythmogenic cardiomyopathy with wooly hair and keratoderma; Arrhythmogenic right ventricular dysplasia 8. Last evaluated: 2025-12-06. Review status: criteria provided, single submitter. Criteria: Invitae Variant Classification Sherloc (09022015). Collection method: clinical testing. Allele origin: germline.

GeneDx
Classification: Uncertain significance. Last evaluated: 2025-05-13. Review status: criteria provided, single submitter. Criteria: GeneDx Variant Classification Process June 2021. Collection method: clinical testing. Allele origin: germline. Affected: yes.
Comment: Not observed at significant frequency in large population cohorts (gnomAD); In silico analysis suggests that this missense variant does not alter protein structure/function; Has not been previously published as pathogenic or benign to our knowledge

Color Diagnostics, LLC DBA Color Health
Classification: Uncertain significance for Cardiomyopathy. Last evaluated: 2024-03-06. Review status: criteria provided, single submitter. Criteria: ACMG Guidelines, 2015. Collection method: clinical testing. Allele origin: germline.
Comment: This missense variant replaces serine with asparagine at codon 1695 of the DSP protein. Computational prediction suggests that this variant may not impact protein structure and function (internally defined REVEL score threshold <= 0.5, PMID: 27666373). Splice site prediction tools suggest that this variant may not impact RNA splicing. To our knowledge, functional studies have not been performed for this variant. This variant has not been reported in individuals affected with cardiovascular disorders in the literature. This variant has been identified in 4/250740 chromosomes in the general population by the Genome Aggregation Database (gnomAD). The available evidence is insufficient to determine the role of this variant in disease conclusively. Therefore, this variant is classified as a Variant of Uncertain Significance.

Neuberg Centre For Genomic Medicine, NCGM
Classification: Uncertain significance for Cardiomyopathy, dilated, with wooly hair, keratoderma, and tooth agenesis. Last evaluated: 2023-05-20. Review status: criteria provided, single submitter. Criteria: ACMG Guidelines, 2015. Collection method: clinical testing. Allele origin: germline. Inheritance: Autosomal recessive inheritance. Affected: yes.
Comment: The observed missense c.5084G>A(p.Ser1695Asn) variant in DSP gene has not been reported previously as a pathogenic variant nor as a benign variant, to our knowledge. This variant is present with an allele frequency of 0.002% in gnomAD Exomes database. This variant has been submitted to the ClinVar database as Uncertain significance. Computational evidence (Polyphen - Benign, SIFT - Tolerated, and MutationTaster - diseae causing) predicts conflicting evidence on protein structure and function for this variant. The reference amino acid is predicted as conserved by GERP++ and PhyloP across 100 vertebrates. The amino acid Ser at position 1695 is changed to a Asn changing protein sequence and it might alter its composition and physico-chemical properties. For these reasons, this variant has been classified as Variant of Uncertain Significance (VUS).

Blueprint Genetics
Classification: Uncertain significance. Last evaluated: 2021-06-17. Review status: criteria provided, single submitter. Criteria: ACMG Guidelines, 2015. Collection method: clinical testing. Allele origin: germline.